The following is an entry in ClinVar:

ClinVar aggregate classification (germline): Benign/Likely benign. Review status: criteria provided, multiple submitters, no conflicts (2 of 4 stars). 10 submissions from 10 submitters: Benign (7); Likely benign (1). 2 of the submissions do not count toward it. Last evaluated 2026-02-04.

Conditions:
Primary ciliary dyskinesia. Also called: Ciliary dyskinesia. Identifiers: Orphanet 244, MedGen C0008780, MONDO:0016575, HP:0012265.
Primary ciliary dyskinesia 7. Also called: CILIARY DYSKINESIA, PRIMARY, 7, WITH OR WITHOUT SITUS INVERSUS. Identifiers: Orphanet 244, MedGen C2678473, MONDO:0012748, OMIM 611884.

Allele frequency attached by ClinVar (database versions not stated): gnomAD exomes 0.43741 and 0.44659; ESP Exome Variant Server 0.45360; gnomAD 0.45869 and 0.46486; TOPMed 0.46252; ExAC 0.46831; 1000 Genomes Project 30x 0.53638; 1000 Genomes Project 0.54293.
gnomAD v4.1: 701,996 of 1,593,732 alleles (44%); highest among the groups gnomAD compares: East Asian, 71%; 158,726 homozygotes.

Submissions (10):

Labcorp Genetics (formerly Invitae), Labcorp
Classification: Benign for Primary ciliary dyskinesia. Last evaluated: 2026-02-04. Review status: criteria provided, single submitter. Criteria: Invitae Variant Classification Sherloc (09022015). Collection method: clinical testing. Allele origin: germline.

Blueprint Genetics
Classification: Likely benign. Last evaluated: 2024-11-27. Review status: criteria provided, single submitter. Criteria: ACMG Guidelines, 2015. Collection method: clinical testing. Allele origin: germline.

Mayo Clinic Laboratories, Mayo Clinic
Classification: Benign. Last evaluated: 2022-04-26. Review status: criteria provided, single submitter. Criteria: ACMG Guidelines, 2015. Collection method: clinical testing. Allele origin: germline. Observed: 139 variant alleles.

Genome-Nilou Lab
Classification: Benign for Primary ciliary dyskinesia 7. Last evaluated: 2021-07-30. Review status: criteria provided, single submitter. Criteria: ACMG Guidelines, 2015. Collection method: clinical testing. Allele origin: germline. Affected: no.

GeneDx
Classification: Benign. Last evaluated: 2018-11-10. Review status: criteria provided, single submitter. Criteria: GeneDx Variant Classification Process June 2021. Collection method: clinical testing. Allele origin: germline. Affected: yes.

Eurofins Ntd Llc (ga)
Classification: Benign. Last evaluated: 2013-05-09. Review status: criteria provided, single submitter. Criteria: EGL Classification Definitions 2015. Collection method: clinical testing. Allele origin: germline. Observed: 1 variant allele, 1 homozygote.

Laboratory for Molecular Medicine, Mass General Brigham Personalized Medicine
Classification: Benign. Last evaluated: 2013-02-21. Review status: criteria provided, single submitter. Criteria: LMM Criteria. Collection method: clinical testing. Allele origin: germline. Observed: 68 variant alleles.
Comment: Asn235Asn in exon 4 of DNAH11: This variant is not expected to have clinical sig nificance because it does not alter an amino acid residue and is not located wit hin the splice consensus sequence. It has been identified in 47.0% (1718/3656) o f African American chromosomes from a broad population by the NHLBI Exome Sequen cing Project (dbSNP rs10950854).

PreventionGenetics, part of Exact Sciences
Classification: Benign. Review status: criteria provided, single submitter. Criteria: ACMG Guidelines, 2015. Collection method: clinical testing. Allele origin: germline.

Clinical Genetics DNA and cytogenetics Diagnostics Lab, Erasmus MC, Erasmus Medical Center
Classification: Benign. Review status: no assertion criteria provided. Collection method: clinical testing. Allele origin: germline. Affected: yes. Study: VKGL Data-share Consensus. Not counted in ClinVar's aggregate classification.

Diagnostic Laboratory, Department of Genetics, University Medical Center Groningen
Classification: Benign. Review status: no assertion criteria provided. Collection method: clinical testing. Allele origin: germline. Affected: yes. Study: VKGL Data-share Consensus. Not counted in ClinVar's aggregate classification.

NM_001277115.2(DNAH11):c.705C>T (p.Asn235=)

Gene: DNAH11 (dynein axonemal heavy chain 11; plus strand). Cytogenetic location: 7p15.3.
Variant type: single nucleotide variant.
Coding change: c.705C>T on transcript NM_001277115.2 (MANE Select); coding-DNA position 705, C replaced by T.
Protein change: p.Asn235=; no amino-acid change (asparagine 235 retained).
Molecular consequence: synonymous variant.
Genome position (GRCh38, 1-based): chr7:21,559,615, C>T. VCF-style: chr7-21559615-C-T. GRCh37 (hg19) VCF-style: chr7-21599233-C-T.
Other names: p.Asn235=.
Identifiers: ClinVar variation 93693 (VCV000093693.34), dbSNP rs10950854, ClinGen allele CA147216.